The following is an entry in ClinVar:

ClinVar aggregate classification (germline): Uncertain significance (1 of 4 stars; one submission).

Conditions:
PLXNA3-related disorder. Also called: PLXNA3-related condition.

gnomAD v4.1: 9 of 1,212,052 alleles (0.00074%); highest among the groups gnomAD compares: Non-Finnish European, 0.00089%; no homozygotes.

Submission:

PreventionGenetics, part of Exact Sciences
Classification: Uncertain significance for PLXNA3-related condition. Last evaluated: 2026-05-23. Review status: criteria provided, single submitter. Criteria: ACMG Guidelines, 2015. Collection method: clinical testing. Allele origin: germline.
Comment: The PLXNA3 c.967C>G variant is predicted to result in the amino acid substitution p.Gln323Glu. To our knowledge, this variant has not been reported in the literature or in a large population database (gnomAD), indicating this variant is rare. At this time, the clinical significance of this variant is uncertain due to the absence of conclusive functional and genetic evidence.

NM_017514.5(PLXNA3):c.967C>G (p.Gln323Glu)

Gene: PLXNA3 (plexin A3; plus strand). Cytogenetic location: Xq28.
Variant type: single nucleotide variant.
Coding change: c.967C>G on transcript NM_017514.5 (MANE Select); coding-DNA position 967, C replaced by G.
Protein change: p.Gln323Glu; replaces glutamine 323 with glutamic acid.
Molecular consequence: missense variant.
Genome position (GRCh38, 1-based): chrX:154,461,471, C>G. VCF-style: chrX-154461471-C-G. GRCh37 (hg19) VCF-style: chrX-153689811-C-G.
Other names: short protein forms Q323E.
Identifiers: ClinVar variation 4988720 (VCV004988720.1).